The following is an entry in ClinVar:

NM_000441.2(SLC26A4):c.2007C>A (p.Asp669Glu)

Gene: SLC26A4 (solute carrier family 26 member 4; plus strand). Cytogenetic location: 7q22.3.
Variant type: single nucleotide variant.
Coding change: c.2007C>A on transcript NM_000441.2 (MANE Select); coding-DNA position 2007, C replaced by A.
Protein change: p.Asp669Glu; replaces aspartic acid 669 with glutamic acid.
Molecular consequence: missense variant.
Genome position (GRCh38, 1-based): chr7:107,702,030, C>A. VCF-style: chr7-107702030-C-A. GRCh37 (hg19) VCF-style: chr7-107342475-C-A.
Other names: short protein forms D669E.
Identifiers: ClinVar variation 446461 (VCV000446461.9), dbSNP rs749013429, ClinGen allele CA368843815.

ClinVar aggregate classification (germline): Pathogenic/Likely pathogenic. Review status: criteria provided, multiple submitters, no conflicts (2 of 4 stars). 6 submissions from 6 submitters: Pathogenic (2); Likely pathogenic (3). 1 of the submissions does not count toward it. Last evaluated 2025-07-07.

Conditions:
Autosomal recessive nonsyndromic hearing loss 4 (DFNB4). Also called: NEUROSENSORY NONSYNDROMIC RECESSIVE DEAFNESS 4; Enlarged vestibular aqueduct, digenic; DEAFNESS, AUTOSOMAL RECESSIVE 4, WITH ENLARGED VESTIBULAR AQUEDUCT, DIGENIC; FOXI1-Related Pendred Syndrome; KCNJ10-Related Pendred Syndrome; Nonsyndromic enlarged vestibular aqueduct (NSEVA). Identifiers: Orphanet 90636, MedGen C3538946, MONDO:0010933, OMIM 600791.
Pendred syndrome (PDS). Also called: DEAFNESS WITH GOITER; GOITER-DEAFNESS SYNDROME; HYPOTHYROIDISM, CONGENITAL, DUE TO DYSHORMONOGENESIS, 2B; Pendred Syndrome (PDS); THYROID DYSHORMONOGENESIS 2B; THYROID HORMONOGENESIS, GENETIC DEFECT IN, 2B. Identifiers: Orphanet 705, MedGen C0271829, MONDO:0010134, OMIM 274600.

Allele frequency attached by ClinVar (database versions not stated): gnomAD 0.00001.
gnomAD v4.1: 1 of 1,613,128 alleles (0.000062%); highest among the groups gnomAD compares: African/African-American, 0.0013%; no homozygotes.

Submissions (6):

Natera, Inc.
Classification: Pathogenic for Pendred syndrome. Last evaluated: 2025-07-07. Review status: criteria provided, single submitter. Criteria: Natera Variant Classification Schema (03/2026). Collection method: clinical testing. Allele origin: germline.
Comment: The c.2007C>A variant in SLC26A4 is a missense variant predicted to cause substitution of aspartic acid to glutamic acid at amino acid 669. This variant is rare in the general population with a frequency below the threshold expected for the associated phenotype(s). This variant has been observed in one or more individuals affected with the associated recessive disease, as either homozygous or compound heterozygous with a second variant (PMID: 24105851). Functional studies show that this variant may disrupt protein function (PMID: 31599023). A different variant at the same position has been determined to be Pathogenic or Likely Pathogenic. Computational prediction algorithms indicate this variant is likely to affect gene or protein function. Given the available evidence, this variant is classified as Pathogenic.

Myriad Genetics, Inc.
Classification: Likely pathogenic for Pendred syndrome. Last evaluated: 2025-01-28. Review status: criteria provided, single submitter. Criteria: Myriad Autosomal Dominant, Autosomal Recessive and X-Linked Classification Criteria (2023). Collection method: clinical testing. Allele origin: unknown.
Comment: NM_000441.1(SLC26A4):c.2007C>A(D669E) is a missense variant classified as likely pathogenic in the context of Pendred syndrome. D669E has been observed in cases with relevant disease (PMID: 24105851, 27246798). Relevant functional assessments of this variant are available in the literature (PMID: 31599023). D669E has not been observed in referenced population frequency databases. In summary, NM_000441.1(SLC26A4):c.2007C>A(D669E) is a missense variant that has functional support for pathogenicity and has been observed more frequently in cases with the relevant disease than in healthy populations. Please note: this variant was assessed in the context of healthy population screening.

Wonkam Laboratory, Johns Hopkins University
Classification: Likely pathogenic for Autosomal recessive nonsyndromic hearing loss 4. Last evaluated: 2024-01-06. Review status: criteria provided, single submitter. Criteria: ACMG Guidelines, 2015. Collection method: research. Allele origin: germline. Inheritance: Autosomal recessive inheritance. Affected: yes. Observed: 2 variant alleles.
Comment: This variant c.2007C>A SLC26A4 (NM_000441.1) is absent from controls (or at extremely low frequency if recessive) in Exome Sequencing Project, 1000 Genomes Project, or Exome Aggregation Consortium (PM2), Patient's phenotype or family history is highly specific for a disease with a single genetic etiology (PP4), Reputable source recently reports variant as pathogenic, but the evidence is not available to the laboratory to perform an independent evaluation (PP5)

Baylor Genetics
Classification: Likely pathogenic for Autosomal recessive nonsyndromic hearing loss 4. Last evaluated: 2022-06-06. Review status: criteria provided, single submitter. Criteria: ACMG Guidelines, 2015. Collection method: clinical testing. Allele origin: unknown.

Division of Hearing and Balance Research, National Hospital Organization Tokyo Medical Center
Classification: Pathogenic for Autosomal recessive nonsyndromic hearing loss 4. Last evaluated: 2017-07-01. Review status: criteria provided, single submitter. Criteria: Submitter's publication. Collection method: clinical testing. Allele origin: germline. Affected: yes. Observed: 2 variant alleles.

National Institute of Sensory Organs, National Hospital Organization Tokyo Medical Center
Classification: Affects for Autosomal recessive nonsyndromic hearing loss 4. Last evaluated: 2019-08-20. Review status: no assertion criteria provided. Collection method: clinical testing, in vitro. Allele origin: inherited, germline. Inheritance: Autosomal recessive inheritance. Affected: yes. Functional consequence: loss_of_function_variant. Not counted in ClinVar's aggregate classification.
Comment: in vitro experiment

Literature cited by the submitters: PubMed 24105851 (cited by 3 submitters); PubMed 31599023 (cited by 3 submitters); PubMed 27246798 (cited by Myriad Genetics, Inc. and National Institute of Sensory Organs, National Hospital Organization Tokyo Medical Center).